The following is an entry in ClinVar:

ClinVar aggregate classification (germline): Uncertain significance (1 of 4 stars; one submission).

Conditions:
Hereditary cancer-predisposing syndrome. Also called: Neoplastic Syndromes, Hereditary; Tumor predisposition; Hereditary Cancer Syndrome; Hereditary neoplastic syndrome. Identifiers: Orphanet 140162, MedGen C0027672, MeSH D009386, MONDO:0015356.

Submission:

Ambry Genetics
Classification: Uncertain significance for Hereditary cancer-predisposing syndrome. Last evaluated: 2022-09-25. Review status: criteria provided, single submitter. Criteria: Ambry Variant Classification Scheme 2023. Collection method: clinical testing. Allele origin: germline.
Comment: The p.D549E variant (also known as c.1647T>A), located in coding exon 13 of the POT1 gene, results from a T to A substitution at nucleotide position 1647. The aspartic acid at codon 549 is replaced by glutamic acid, an amino acid with highly similar properties. This amino acid position is conserved. In addition, this alteration is predicted to be tolerated by in silico analysis. Since supporting evidence is limited at this time, the clinical significance of this alteration remains unclear.

NM_015450.3(POT1):c.1647T>A (p.Asp549Glu)

Gene: POT1 (protection of telomeres 1; minus strand). Cytogenetic location: 7q31.33.
Variant type: single nucleotide variant.
Coding change: c.1647T>A on transcript NM_015450.3 (MANE Select); coding-DNA position 1647, T replaced by A.
Protein change: p.Asp549Glu; replaces aspartic acid 549 with glutamic acid.
Molecular consequence: missense variant. On other transcripts: non-coding transcript variant (3).
Genome position (GRCh38, 1-based): chr7:124,827,253, A>T on the plus strand (T>A on the coding strand, the complement: POT1 is on the minus strand). VCF-style: chr7-124827253-A-T. GRCh37 (hg19) VCF-style: chr7-124467307-A-T.
Other names: c.1254T>A, p.Asp418Glu (NM_001042594.2); short protein forms D418E, D549E.
Identifiers: ClinVar variation 1777175 (VCV001777175.2), dbSNP rs2485345164, ClinGen allele CA369063032.